The following is an entry in ClinVar:

NM_001378457.1(DMXL2):c.8877G>C (p.Thr2959=)

Genes: DMXL2 (Dmx like 2; minus strand), LOC126862131 (MED14-independent group 3 enhancer GRCh37_chr15:51741640-51742839; plus strand). Cytogenetic location: 15q21.2.
Variant type: single nucleotide variant.
Coding change: c.8877G>C on transcript NM_001378457.1 (MANE Select); coding-DNA position 8877, G replaced by C.
Protein change: p.Thr2959=; no amino-acid change (threonine 2959 retained).
Molecular consequence: synonymous variant. On other transcripts: non-coding transcript variant (2).
Genome position (GRCh38, 1-based): chr15:51,450,219, C>G on the plus strand (G>C on the coding strand, the complement: DMXL2 is on the minus strand). VCF-style: chr15-51450219-C-G. GRCh37 (hg19) VCF-style: chr15-51742416-C-G.
Other names: c.8814G>C, p.Thr2938= (NM_001174116.3); c.6903G>C, p.Thr2301= (NM_001174117.3); c.8874G>C, p.Thr2958= (NM_001378458.1); c.8589G>C, p.Thr2863= (NM_001378459.1); c.6792G>C, p.Thr2264= (NM_001378460.1); c.8811G>C, p.Thr2937= (NM_015263.5).
Identifiers: ClinVar variation 2069224 (VCV002069224.11), dbSNP rs147864837, ClinGen allele CA7560876.

ClinVar aggregate classification (germline): Likely benign. Review status: criteria provided, multiple submitters, no conflicts (2 of 4 stars). 2 submissions from 2 submitters: Likely benign (2). Last evaluated 2025-10-01.

Allele frequency attached by ClinVar (database versions not stated): TOPMed 0.00005; ESP Exome Variant Server 0.00015.
gnomAD v4.1: 78 of 1,613,934 alleles (0.0048%); highest among the groups gnomAD compares: Non-Finnish European, 0.0063%; no homozygotes.

Submissions (3):

CeGaT Center for Human Genetics Tuebingen
Classification: Likely benign. Last evaluated: 2025-10-01. Review status: criteria provided, single submitter. Criteria: CeGaT Center For Human Genetics Tuebingen Variant Classification Criteria Version 2. Collection method: clinical testing. Allele origin: germline. Affected: yes. Observed: 1 variant allele.
Comment: DMXL2: BP4, BP7

Labcorp Genetics (formerly Invitae), Labcorp
Classification: Likely benign. Last evaluated: 2025-08-15. Review status: criteria provided, single submitter. Criteria: Invitae Variant Classification Sherloc (09022015). Collection method: clinical testing. Allele origin: germline.

Dr. Peter K. Rogan Lab, Western University
No classification provided (evidence only). Condition: Ovarian serous cystadenocarcinoma. Review status: no classification provided. Collection method: in vitro. Allele origin: not applicable. Functional consequence: retained intron. Not counted in ClinVar's aggregate classification.